The following is an entry in ClinVar:

ClinVar aggregate classification (germline): Uncertain significance (1 of 4 stars; one submission).

Submission:

GeneDx
Classification: Uncertain significance. Last evaluated: 2022-11-03. Review status: criteria provided, single submitter. Criteria: GeneDx Variant Classification Process June 2021. Collection method: clinical testing. Allele origin: germline. Affected: yes.
Comment: Not observed at significant frequency in large population cohorts (gnomAD); In silico analysis supports that this missense variant has a deleterious effect on protein structure/function; Has not been previously published as pathogenic or benign to our knowledge

NM_001394062.1(MACF1):c.13124G>A (p.Gly4375Glu)

Gene: MACF1 (microtubule actin crosslinking factor 1; plus strand). Cytogenetic location: 1p34.3.
Variant type: single nucleotide variant.
Coding change: c.13124G>A on transcript NM_001394062.1 (MANE Select); coding-DNA position 13124, G replaced by A.
Protein change: p.Gly4375Glu; replaces glycine 4375 with glutamic acid.
Molecular consequence: missense variant.
Genome position (GRCh38, 1-based): chr1:39,372,507, G>A. VCF-style: chr1-39372507-G-A. GRCh37 (hg19) VCF-style: chr1-39838179-G-A.
Other names: c.6938G>A, p.Gly2313Glu (NM_012090.5); short protein forms G2313E, G4375E.
Identifiers: ClinVar variation 2501488 (VCV002501488.1), dbSNP rs2522506093, ClinGen allele CA339827599.